The following is an entry in ClinVar:

ClinVar aggregate classification (germline): Likely benign. Review status: criteria provided, multiple submitters, no conflicts (2 of 4 stars). 3 submissions from 3 submitters: Likely benign (3). Last evaluated 2024-02-20.

Conditions:
Cataract 5 multiple types (CTRCT5). Also called: CATARACT, MARNER TYPE; CATARACT 5, LAMELLAR; Lamellar cataract. Identifiers: Orphanet 91492, MedGen C0266537, MONDO:0007290, OMIM 116800, HP:0007971.

Allele frequency attached by ClinVar (database versions not stated): ExAC 0.00007; gnomAD 0.00007 and 0.00008; ESP Exome Variant Server 0.00008; gnomAD exomes 0.00009 and 0.00010; TOPMed 0.00010; 1000 Genomes Project 0.00020; 1000 Genomes Project 30x 0.00031.
gnomAD v4.1: 156 of 1,608,866 alleles (0.0097%); highest among the groups gnomAD compares: Admixed American, 0.012%; no homozygotes.

Submissions (3):

Blueprint Genetics
Classification: Likely benign. Last evaluated: 2024-02-20. Review status: criteria provided, single submitter. Criteria: ACMG Guidelines, 2015. Collection method: clinical testing. Allele origin: germline.

CeGaT Center for Human Genetics Tuebingen
Classification: Likely benign. Last evaluated: 2023-02-01. Review status: criteria provided, single submitter. Criteria: CeGaT Center For Human Genetics Tuebingen Variant Classification Criteria Version 2. Collection method: clinical testing. Allele origin: germline. Affected: yes. Observed: 1 variant allele.
Comment: HSF4: BP4

Illumina Laboratory Services, Illumina
Classification: Likely benign for Cataract 5 multiple types. Last evaluated: 2018-01-13. Review status: criteria provided, single submitter. Criteria: ICSL Variant Classification Criteria 13 December 2019. Collection method: clinical testing. Allele origin: germline.
Comment: This variant was observed in the ICSL laboratory as part of a predisposition screen in an ostensibly healthy population. It had not been previously curated by ICSL or reported in the Human Gene Mutation Database (HGMD: prior to June 1st, 2018), and was therefore a candidate for classification through an automated scoring system. Utilizing variant allele frequency, disease prevalence and penetrance estimates, and inheritance mode, an automated score was calculated to assess if this variant is too frequent to cause the disease. Based on the score and internal cut-off values, a variant classified as likely benign is not then subjected to further curation. The score for this variant resulted in a classification of likely benign for this disease.

NM_001374675.1(HSF4):c.510G>A (p.Glu170=)

Gene: HSF4 (heat shock transcription factor 4; plus strand). Cytogenetic location: 16q22.1.
Variant type: single nucleotide variant.
Coding change: c.510G>A on transcript NM_001374675.1 (MANE Select); coding-DNA position 510, G replaced by A.
Protein change: p.Glu170=; no amino-acid change (glutamic acid 170 retained).
Molecular consequence: synonymous variant.
Genome position (GRCh38, 1-based): chr16:67,166,344, G>A. VCF-style: chr16-67166344-G-A. GRCh37 (hg19) VCF-style: chr16-67200247-G-A.
Other names: c.510G>A, p.Glu170= (NM_001040667.3, NM_001374674.1, NM_001538.4).
Identifiers: ClinVar variation 884594 (VCV000884594.29), dbSNP rs372473149, ClinGen allele CA8101845.